The following is an entry in ClinVar:

NM_001323289.2(CDKL5):c.1018A>T (p.Arg340Ter)

Gene: CDKL5 (cyclin dependent kinase like 5; plus strand). Cytogenetic location: Xp22.13.
Variant type: single nucleotide variant.
Coding change: c.1018A>T on transcript NM_001323289.2 (MANE Select); coding-DNA position 1018, A replaced by T.
Protein change: p.Arg340Ter; replaces arginine 340 with a stop codon.
Molecular consequence: nonsense.
Genome position (GRCh38, 1-based): chrX:18,603,942, A>T. VCF-style: chrX-18603942-A-T. GRCh37 (hg19) VCF-style: chrX-18622062-A-T.
Other names: NM_003159.3:c.1018A>T; c.1018A>T, p.Arg340Ter (NM_001037343.2, NM_003159.3); short protein forms R340*.
Identifiers: ClinVar variation 3602051 (VCV003602051.1).

ClinVar aggregate classification (germline): Pathogenic (1 of 4 stars; one submission).

Conditions:
CDKL5 disorder. Identifiers: MedGen CN296942, MONDO:0100039.

Submission:

Centre for Population Genomics, CPG
Classification: Pathogenic for CDKL5 disorder. Last evaluated: 2024-12-16. Review status: criteria provided, single submitter. Criteria: McKnight et al. (Hum Mutat. 2022). Collection method: curation. Allele origin: germline. Inheritance: X-linked inheritance.
Comment: This variant has been collected from RettBASE and curated to current modified ACMG/AMP criteria. Based on the classification scheme defined by the ClinGen Rett/Angelman-like Expert Panel for Rett/AS-like Disorders Specifications to the ACMG/AMP Variant Interpretation Guidelines VCEP 3.0, this variant is classified as pathogenic. At least the following criteria are met: Predicted to result in loss of function, and LOF is a known mechanism of disease (PVS1). This variant is absent from gnomAD (PM2_Supporting). This variant has been identified as a de novo occurrence in an individual with CDKL5 disorder without confirmation of paternity and maternity (PM6, PMID: 37193389).